The following is an entry in ClinVar:

NM_031935.3(HMCN1):c.12821G>C (p.Gly4274Ala)

Gene: HMCN1 (hemicentin 1; plus strand). Cytogenetic location: 1q31.1.
Variant type: single nucleotide variant.
Coding change: c.12821G>C on transcript NM_031935.3 (MANE Select); coding-DNA position 12821, G replaced by C.
Protein change: p.Gly4274Ala; replaces glycine 4274 with alanine.
Molecular consequence: missense variant.
Genome position (GRCh38, 1-based): chr1:186,128,208, G>C. VCF-style: chr1-186128208-G-C. GRCh37 (hg19) VCF-style: chr1-186097340-G-C.
Other names: short protein forms G4274A.
Identifiers: ClinVar variation 2892786 (VCV002892786.3), dbSNP rs1364880894, ClinGen allele CA343905858.

ClinVar aggregate classification (germline): Uncertain significance (1 of 4 stars; one submission).

Allele frequency attached by ClinVar (database versions not stated): gnomAD 0.00001.
gnomAD v4.1: 1 of 1,613,498 alleles (0.000062%); highest among the groups gnomAD compares: Non-Finnish European, 0.000085%; no homozygotes.

Submission:

Labcorp Genetics (formerly Invitae), Labcorp
Classification: Uncertain significance. Last evaluated: 2024-04-25. Review status: criteria provided, single submitter. Criteria: Invitae Variant Classification Sherloc (09022015). Collection method: clinical testing. Allele origin: germline.
Comment: This sequence change replaces glycine, which is neutral and non-polar, with alanine, which is neutral and non-polar, at codon 4274 of the HMCN1 protein (p.Gly4274Ala). This variant is present in population databases (no rsID available, gnomAD 0.007%). This variant has not been reported in the literature in individuals affected with HMCN1-related conditions. An algorithm developed to predict the effect of missense changes on protein structure and function (PolyPhen-2) suggests that this variant is likely to be disruptive. In summary, the available evidence is currently insufficient to determine the role of this variant in disease. Therefore, it has been classified as a Variant of Uncertain Significance.